The following is an entry in ClinVar:

ClinVar aggregate classification (germline): Uncertain significance (1 of 4 stars; one submission).

gnomAD v4.1: 2 of 1,613,936 alleles (0.00012%); highest among the groups gnomAD compares: Non-Finnish European, 0.00017%; no homozygotes.

Submission:

Dasa
Classification: Uncertain significance. Last evaluated: 2025-05-02. Review status: criteria provided, single submitter. Criteria: DASA Assertion Criteria. Collection method: clinical testing. Allele origin: germline.
Comment: NM_018489.3(ASH1L):c.1907C>T (p.Ser636Leu) is a missense variant that results in the substitution of serine with leucine. This variant is rare in population databases. Computational prediction algorithms are consistent with a benign effect. The currently available literature and clinical evidence are not sufficient to establish a definitive association between this variant and the reported condition. Therefore, this variant is classified as a variant of uncertain significance.

NM_018489.3(ASH1L):c.1907C>T (p.Ser636Leu)

Gene: ASH1L (ASH1 like histone lysine methyltransferase; minus strand). Cytogenetic location: 1q22.
Variant type: single nucleotide variant.
Coding change: c.1907C>T on transcript NM_018489.3 (MANE Select); coding-DNA position 1907, C replaced by T.
Protein change: p.Ser636Leu; replaces serine 636 with leucine.
Molecular consequence: missense variant.
Genome position (GRCh38, 1-based): chr1:155,480,963, G>A on the plus strand (C>T on the coding strand, the complement: ASH1L is on the minus strand). VCF-style: chr1-155480963-G-A. GRCh37 (hg19) VCF-style: chr1-155450754-G-A.
Other names: c.1907C>T, p.Ser636Leu (NM_001366177.2); short protein forms S636L.
Identifiers: ClinVar variation 4881572 (VCV004881572.2).
Genomic context (GRCh38, chr1:155,480,963, plus strand): 5'-AAACTTGGCTTTTTTCCAAGGGAAGAGCTTATTCTTGGAATATCTATATGGGTAGTTTTT[G>A]AATCATTTACCTCTTTATCAATCCCTTTACATTCAATACTTATACTATGACCAACTGACC-3'
Protein context (NP_060959.2, residues 626-646): CKGIDKEVND[Ser636Leu]KTTHIDIPRI